The following is an entry in ClinVar:

NM_005559.4(LAMA1):c.3180dup (p.Gly1061fs)

Gene: LAMA1 (laminin subunit alpha 1; minus strand). Cytogenetic location: 18p11.31.
Variant type: Duplication.
Coding change: c.3180dup on transcript NM_005559.4 (MANE Select); coding-DNA position 3180, one base duplicated (C; older notation c.3180dupC).
Protein change: p.Gly1061fs; shifts the reading frame from glycine 1061.
Molecular consequence: frameshift variant.
Genome position (GRCh38, 1-based): chr18:7,013,998, G duplicated on the plus strand (C on the coding strand, the reverse complement: LAMA1 is on the minus strand); the first of 2 consecutive G bases (chr18:7,013,998-7,013,999); duplicating either gives the same sequence. VCF-style (leftmost placement, unchanged base first): chr18-7013997-C-CG. GRCh37 (hg19) VCF-style: chr18-7013996-C-CG.
Other names: short protein forms G1061fs.
Identifiers: ClinVar variation 4850726 (VCV004850726.1), dbSNP rs2057873762.

ClinVar aggregate classification (germline): Likely pathogenic (1 of 4 stars; one submission).

Conditions:
Ataxia - intellectual disability - oculomotor apraxia - cerebellar cysts syndrome. Also called: Poretti-Boltshauser syndrome. Identifiers: Orphanet 370022, MedGen C4014821, MONDO:0014419, OMIM 615960.

Submission:

Variantyx, Inc.
Classification: Likely pathogenic for Ataxia - intellectual disability - oculomotor apraxia - cerebellar cysts syndrome. Last evaluated: 2025-11-25. Review status: criteria provided, single submitter. Criteria: Variantyx Assertion Criteria 2022. Collection method: clinical testing. Allele origin: germline. Inheritance: Autosomal recessive inheritance. Affected: no.
Comment: This is a frameshift variant in the LAMA1 gene (OMIM: 150320). Pathogenic variants in this gene have been associated with autosomal recessive Poretti-Boltshauser syndrome. This variant introduces a premature termination codon in exon 23 out of 63 nd is expected to result in loss of function, which is a known disease mechanism for LAMA1 in this disorder (PMID: 25105227, 26932191) (PVS1). This variant is absent from control populations (PM2), and it has not been previously reported in individuals with LAMA1-related disorders in the databases available for review. Based on the current evidence, this variant is classified as likely pathogenic for autosomal recessive Poretti-Boltshauser syndrome.No other variant of clinical significance was identified in the LAMA1 gene.

Literature cited by the submitters: PubMed 25105227; PubMed 26932191.